The following is an entry in ClinVar:

ClinVar aggregate classification (germline): Pathogenic (1 of 4 stars; one submission).

Submission:

Labcorp Genetics (formerly Invitae), Labcorp
Classification: Pathogenic. Last evaluated: 2024-01-28. Review status: criteria provided, single submitter. Criteria: Invitae Variant Classification Sherloc (09022015). Collection method: clinical testing. Allele origin: germline.
Comment: This sequence change creates a premature translational stop signal (p.Tyr535*) in the LZTR1 gene. It is expected to result in an absent or disrupted protein product. Loss-of-function variants in LZTR1 are known to be pathogenic (PMID: 24362817, 25335493, 25480913, 25795793, 29469822, 30368668, 30442762, 30442766, 30481304, 30859559). This variant is not present in population databases (gnomAD no frequency). This variant has not been reported in the literature in individuals affected with LZTR1-related conditions. For these reasons, this variant has been classified as Pathogenic.

Literature cited by the submitters: PubMed 24362817; PubMed 25335493; PubMed 25480913; PubMed 25795793; PubMed 29469822; PubMed 30368668; PubMed 30442762; PubMed 30442766; PubMed 30481304; PubMed 30859559.

NM_006767.4(LZTR1):c.1605C>G (p.Tyr535Ter)

Gene: LZTR1 (leucine zipper like post translational regulator 1; plus strand). Cytogenetic location: 22q11.21.
Variant type: single nucleotide variant.
Coding change: c.1605C>G on transcript NM_006767.4 (MANE Select); coding-DNA position 1605, C replaced by G.
Protein change: p.Tyr535Ter; replaces tyrosine 535 with a stop codon.
Molecular consequence: nonsense.
Genome position (GRCh38, 1-based): chr22:20,994,259, C>G. VCF-style: chr22-20994259-C-G. GRCh37 (hg19) VCF-style: chr22-21348548-C-G.
Other names: short protein forms Y535*.
Identifiers: ClinVar variation 3709431 (VCV003709431.2).